The following is an entry in ClinVar:

ClinVar aggregate classification (germline): Conflicting classifications of pathogenicity. Review status: criteria provided, conflicting classifications (1 of 4 stars). 4 submissions from 4 submitters: Uncertain significance (2); Likely benign (2). Last evaluated 2026-06-21.

Conditions:
Adams-Oliver syndrome 5 (AOS5). Identifiers: Orphanet 974, MedGen C4014970, MONDO:0014459, OMIM 616028.
Connective tissue disorder. Also called: Connective tissue disease. Identifiers: MedGen C0009782, MONDO:0003900.

Submissions (4):

GeneDx
Classification: Uncertain significance. Last evaluated: 2026-06-21. Review status: criteria provided, single submitter. Criteria: GeneDx Variant Classification Process June 2021. Collection method: clinical testing. Allele origin: germline.
Comment: Not observed at significant frequency in large population cohorts (gnomAD); In-frame duplication of 1 amino acid in a non-repeat region; Has not been previously published as pathogenic or benign to our knowledge

Labcorp Genetics (formerly Invitae), Labcorp
Classification: Uncertain significance for Adams-Oliver syndrome 5. Last evaluated: 2025-11-21. Review status: criteria provided, single submitter. Criteria: Invitae Variant Classification Sherloc (09022015). Collection method: clinical testing. Allele origin: germline.
Comment: This variant, c.7244_7246dup, results in the insertion of 1 amino acid(s) of the NOTCH1 protein (p.Pro2415dup), but otherwise preserves the integrity of the reading frame. This variant is present in population databases (rs762336270, gnomAD 0.006%). This variant has not been reported in the literature in individuals affected with NOTCH1-related conditions. Experimental studies and prediction algorithms are not available or were not evaluated, and the functional significance of this variant is currently unknown. In summary, the available evidence is currently insufficient to determine the role of this variant in disease. Therefore, it has been classified as a Variant of Uncertain Significance.

Blueprint Genetics
Classification: Likely benign. Last evaluated: 2023-08-14. Review status: criteria provided, single submitter. Criteria: ACMG Guidelines, 2015. Collection method: clinical testing. Allele origin: germline.

Center for Human Genetics, Inc
Classification: Likely benign for Connective tissue disorder. Last evaluated: 2016-11-01. Review status: criteria provided, single submitter. Criteria: ACMG Guidelines, 2015. Collection method: clinical testing. Allele origin: germline. Affected: yes.

NM_017617.5(NOTCH1):c.7232CAC[6] (p.Pro2415dup)

Gene: NOTCH1 (notch receptor 1; minus strand). Cytogenetic location: 9q34.3.
Variant type: Microsatellite.
Coding change: c.7232CAC[6] on transcript NM_017617.5 (MANE Select); six copies in a row of the 3-base unit CAC starting at c.7232; the reference has five copies in a row; one copy, 3 bases duplicated; also written c.7244_7246dup.
Protein change: p.Pro2415dup; duplicates proline 2415.
Molecular consequence: inframe insertion.
Genome position (GRCh38, 1-based): chr9:136,496,493-136,496,495, GTG duplicated on the plus strand (CAC on the coding strand, the reverse complement: NOTCH1 is on the minus strand); duplicating any 3 consecutive bases within chr9:136,496,493-136,496,508 gives the same sequence; the position shown is the placement nearest the transcript's 3' end. VCF-style (leftmost placement, unchanged base first): chr9-136496492-T-TGTG. GRCh37 (hg19) VCF-style: chr9-139390944-T-TGTG.
Other names: c.7244_7246dup (NM_017617.3); c.7243_7245dupCCA (NM_017617.3).
Identifiers: ClinVar variation 547718 (VCV000547718.11), dbSNP rs762336270, ClinGen allele CA5339717.